The following is an entry in ClinVar:

NM_001430.5(EPAS1):c.2173G>A (p.Gly725Arg)

Gene: EPAS1 (endothelial PAS domain protein 1; plus strand). Cytogenetic location: 2p21.
Variant type: single nucleotide variant.
Coding change: c.2173G>A on transcript NM_001430.5 (MANE Select); coding-DNA position 2173, G replaced by A.
Protein change: p.Gly725Arg; replaces glycine 725 with arginine.
Molecular consequence: missense variant.
Genome position (GRCh38, 1-based): chr2:46,381,975, G>A. VCF-style: chr2-46381975-G-A. GRCh37 (hg19) VCF-style: chr2-46609114-G-A.
Other names: short protein forms G725R.
Identifiers: ClinVar variation 2588705 (VCV002588705.2), dbSNP rs758845598, ClinGen allele CA1645255.

ClinVar aggregate classification (germline): Uncertain significance (1 of 4 stars; one submission).

Conditions:
Inborn genetic diseases. Identifiers: MedGen C0950123, MeSH D030342.

Allele frequency attached by ClinVar (database versions not stated): gnomAD exomes below 0.00001; TOPMed below 0.00001; ExAC 0.00001.
gnomAD v4.1: 2 of 1,602,792 alleles (0.00012%); highest among the groups gnomAD compares: Admixed American, 0.0017%; no homozygotes.

Submission:

Ambry Genetics
Classification: Uncertain significance for Inborn genetic diseases. Last evaluated: 2023-08-29. Review status: criteria provided, single submitter. Criteria: Ambry Variant Classification Scheme 2023. Collection method: clinical testing. Allele origin: germline.
Comment: The p.G725R variant (also known as c.2173G>A) is located in coding exon 14 of the EPAS1 gene. The glycine at codon 725 is replaced by arginine, an amino acid with dissimilar properties. This change occurs in the first base pair of coding exon 14. This amino acid position is conserved. In addition, this alteration is predicted to be tolerated by in silico analysis. Since supporting evidence is limited at this time, the clinical significance of this alteration remains unclear.